The following is an entry in ClinVar:

NM_000051.4(ATM):c.6885A>G (p.Glu2295=)

Genes: C11orf65 (chromosome 11 open reading frame 65; minus strand), ATM (ATM serine/threonine kinase; plus strand). Cytogenetic location: 11q22.3.
Variant type: single nucleotide variant.
Coding change: c.6885A>G on transcript NM_000051.4 (MANE Select); coding-DNA position 6885, A replaced by G.
Protein change: p.Glu2295=; no amino-acid change (glutamic acid 2295 retained).
Molecular consequence: synonymous variant. On other transcripts: intron variant (2).
Genome position (GRCh38, 1-based): chr11:108,326,135, A>G. VCF-style: chr11-108326135-A-G. GRCh37 (hg19) VCF-style: chr11-108196862-A-G.
Other names: c.6885A>G, p.Glu2295= (NM_001351834.2); c.641-17064T>C (NM_001330368.2); c.*38+9085T>C (NM_001351110.2).
Identifiers: ClinVar variation 509603 (VCV000509603.17), dbSNP rs748221367, ClinGen allele CA6266027.

ClinVar aggregate classification (germline): Benign/Likely benign. Review status: criteria provided, multiple submitters, no conflicts (2 of 4 stars). 5 submissions from 5 submitters: Benign (1); Likely benign (4). Last evaluated 2024-06-12.

Conditions:
Hereditary cancer-predisposing syndrome. Also called: Hereditary Cancer Syndrome; Neoplastic Syndromes, Hereditary; Tumor predisposition; Hereditary neoplastic syndrome. Identifiers: Orphanet 140162, MedGen C0027672, MeSH D009386, MONDO:0015356.
Familial cancer of breast. Also called: BREAST CANCER, FAMILIAL; Hereditary breast cancer; hereditary breast carcinoma. Identifiers: Orphanet 227535, MedGen C0346153, MONDO:0016419, OMIM 114480. Disease mechanism: loss of function.
Ataxia-telangiectasia syndrome (AT). Also called: Cerebello-oculocutaneous telangiectasia; Immunodeficiency with ataxia telangiectasia; Ataxia-telangiectasia, complementation group E; Ataxia-telangiectasia, complementation group D; AT, COMPLEMENTATION GROUP C; ATAXIA-TELANGIECTASIA, COMPLEMENTATION GROUP A. Identifiers: Orphanet 100, MedGen C0004135, MONDO:0008840, OMIM 208900.

Allele frequency attached by ClinVar (database versions not stated): gnomAD exomes below 0.00001; ExAC 0.00001.

Submissions (5):

Myriad Genetics, Inc.
Classification: Benign for Familial cancer of breast. Last evaluated: 2024-06-12. Review status: criteria provided, single submitter. Criteria: Myriad Autosomal Dominant, Autosomal Recessive and X-Linked Classification Criteria (2023). Collection method: clinical testing. Allele origin: unknown.
Comment: This variant is considered benign. This variant is a silent/synonymous amino acid change and it is not expected to impact splicing.

Ambry Genetics
Classification: Likely benign for Hereditary cancer-predisposing syndrome. Last evaluated: 2021-01-01. Review status: criteria provided, single submitter. Criteria: Ambry Variant Classification Scheme 2023. Collection method: clinical testing. Allele origin: germline.

Color Diagnostics, LLC DBA Color Health
Classification: Likely benign for Hereditary cancer-predisposing syndrome. Last evaluated: 2020-02-14. Review status: criteria provided, single submitter. Criteria: ACMG Guidelines, 2015. Collection method: clinical testing. Allele origin: germline.

Labcorp Genetics (formerly Invitae), Labcorp
Classification: Likely benign for Ataxia-telangiectasia syndrome. Last evaluated: 2019-09-02. Review status: criteria provided, single submitter. Criteria: Invitae Variant Classification Sherloc (09022015). Collection method: clinical testing. Allele origin: germline.

GeneDx
Classification: Likely benign. Last evaluated: 2017-05-11. Review status: criteria provided, single submitter. Criteria: GeneDx Variant Classification (06012015). Collection method: clinical testing. Allele origin: germline. Affected: yes.
Comment: This variant is considered likely benign or benign based on one or more of the following criteria: it is a conservative change, it occurs at a poorly conserved position in the protein, it is predicted to be benign by multiple in silico algorithms, and/or has population frequency not consistent with disease.